The following is an entry in ClinVar:

ClinVar aggregate classification (germline): Likely benign (1 of 4 stars; one submission).

Submission:

CeGaT Center for Human Genetics Tuebingen
Classification: Likely benign. Last evaluated: 2025-11-01. Review status: criteria provided, single submitter. Criteria: CeGaT Center For Human Genetics Tuebingen Variant Classification Criteria Version 2. Collection method: clinical testing. Allele origin: germline. Affected: yes. Observed: 1 variant allele.
Comment: AC008394.1: BP4, BP7

NR_130914.1(LINC01949):n.649C>T

Genes: LINC01949 (long independently transcribed non-coding RNA 1949; minus strand), LOC101929380 (uncharacterized LOC101929380; plus strand). Cytogenetic location: 5q14.3.
Variant type: single nucleotide variant.
Molecular consequence: non-coding transcript variant (on NR_130914.1).
Genome position: GRCh38 VCF-style: chr5-87217984-G-A. GRCh37 (hg19) VCF-style: chr5-86513801-G-A.
Identifiers: ClinVar variation 4534435 (VCV004534435.6).
Genomic context (GRCh38, chr5:87,217,984, plus strand): 5'-ACTCCTGCTGCTAGCTCAGTGTCTGCCCAAATGGCTGCCCAGTTTTTTGCTTGAAACCCA[G>A]GGCCCTGGTGGTGCAGGCACCCAAGGGAATCTCCTGGTCTGTGGGTTGCAAAGACCGTGG-3'